The following is an entry in ClinVar:

ClinVar aggregate classification (germline): Uncertain significance (1 of 4 stars; one submission).

Submission:

Ambry Genetics
Classification: Uncertain significance. Last evaluated: 2022-04-06. Review status: criteria provided, single submitter. Criteria: Ambry Variant Classification Scheme 2023. Collection method: clinical testing. Allele origin: germline.
Comment: The p.F1895I variant (also known as c.5683T>A), located in coding exon 8 of the ALPK2 gene, results from a T to A substitution at nucleotide position 5683. The phenylalanine at codon 1895 is replaced by isoleucine, an amino acid with highly similar properties. This amino acid position is conserved. In addition, this alteration is predicted to be tolerated by in silico analysis. Since supporting evidence is limited at this time, the clinical significance of this alteration remains unclear.

NM_052947.4(ALPK2):c.5683T>A (p.Phe1895Ile)

Gene: ALPK2 (alpha kinase 2; minus strand). Cytogenetic location: 18q21.31.
Variant type: single nucleotide variant.
Coding change: c.5683T>A on transcript NM_052947.4 (MANE Select); coding-DNA position 5683, T replaced by A.
Protein change: p.Phe1895Ile; replaces phenylalanine 1895 with isoleucine.
Molecular consequence: missense variant.
Genome position (GRCh38, 1-based): chr18:58,517,165, A>T on the plus strand (T>A on the coding strand, the complement: ALPK2 is on the minus strand). VCF-style: chr18-58517165-A-T. GRCh37 (hg19) VCF-style: chr18-56184397-A-T.
Other names: short protein forms F1895I.
Identifiers: ClinVar variation 1749044 (VCV001749044.2), dbSNP rs1753698210, ClinGen allele CA402549370.